The following is an entry in ClinVar:

ClinVar aggregate classification (germline): Uncertain significance (1 of 4 stars; one submission).

Conditions:
Inborn genetic diseases. Identifiers: MedGen C0950123, MeSH D030342.

Submission:

Ambry Genetics
Classification: Uncertain significance for Inborn genetic diseases. Last evaluated: 2023-11-20. Review status: criteria provided, single submitter. Criteria: Ambry Variant Classification Scheme 2023. Collection method: clinical testing. Allele origin: germline.
Comment: The c.994A>G (p.N332D) alteration is located in exon 5 (coding exon 5) of the SETD1B gene. This alteration results from an A to G substitution at nucleotide position 994, causing the asparagine (N) at amino acid position 332 to be replaced by an aspartic acid (D). This variant was not reported in population-based cohorts in the Genome Aggregation Database (gnomAD). This amino acid position is well conserved in available vertebrate species. This alteration is predicted to be tolerated by in silico analysis. Based on insufficient or conflicting evidence, the clinical significance of this alteration remains unclear.

NM_001353345.2(SETD1B):c.994A>G (p.Asn332Asp)

Gene: SETD1B (SET domain containing 1B, histone lysine methyltransferase; plus strand). Cytogenetic location: 12q24.31.
Variant type: single nucleotide variant.
Coding change: c.994A>G on transcript NM_001353345.2 (MANE Select); coding-DNA position 994, A replaced by G.
Protein change: p.Asn332Asp; replaces asparagine 332 with aspartic acid.
Molecular consequence: missense variant.
Genome position (GRCh38, 1-based): chr12:121,809,939, A>G. VCF-style: chr12-121809939-A-G. GRCh37 (hg19) VCF-style: chr12-122247845-A-G.
Other names: NM_015048.1:c.994A>G; short protein forms N332D.
Identifiers: ClinVar variation 3160629 (VCV003160629.1), dbSNP rs2500183398, ClinGen allele CA386990665.
Genomic context (GRCh38, chr12:121,809,939, plus strand): 5'-CGCCACGAGAGCAAGTTCACGGACGCCTACAACCGCCGCCACGAACATCATTATGTACAC[A>G]ATTCTCCCGCGGTCACTGCGGTGGCCGGGGCCACAGCCGCTTTCCGGGGTTCCTCGGACC-3'
Protein context (NP_001340274.1, residues 322-342): NRRHEHHYVH[Asn332Asp]SPAVTAVAGA